The following is an entry in ClinVar:

ClinVar aggregate classification (germline): Pathogenic/Likely pathogenic. Review status: criteria provided, multiple submitters, no conflicts (2 of 4 stars). 3 submissions from 3 submitters: Pathogenic (2); Likely pathogenic (1). Last evaluated 2023-10-16.

Conditions:
Hereditary cancer-predisposing syndrome. Also called: Neoplastic Syndromes, Hereditary; Hereditary Cancer Syndrome; Tumor predisposition; Hereditary neoplastic syndrome. Identifiers: Orphanet 140162, MedGen C0027672, MeSH D009386, MONDO:0015356.
Hereditary breast ovarian cancer syndrome. Also called: Hereditary breast and ovarian cancer syndrome; Hereditary breast and ovarian cancer syndrome (HBOC); Hereditary breast and/or ovarian cancer syndrome; Hereditary breast and ovarian cancer; Breast and ovarian cancer; BRCA1- and BRCA2-Associated Hereditary Breast and Ovarian Cancer. Identifiers: Orphanet 145, MedGen C0677776, MeSH D061325, MONDO:0003582. Disease mechanism: loss of function.

Submissions (3):

Ambry Genetics
Classification: Pathogenic for Hereditary cancer-predisposing syndrome. Last evaluated: 2023-10-16. Review status: criteria provided, single submitter. Criteria: Ambry Variant Classification Scheme 2023. Collection method: clinical testing. Allele origin: germline.
Comment: The c.2886_3144del259 pathogenic mutation, located in coding exon 10 of the BRCA2 gene, results from a deletion of 259 nucleotides at nucleotide positions 2886 to 3144, causing a translational frameshift with a predicted alternate stop codon (p.H962Qfs*6). This variant is considered to be rare based on population cohorts in the Genome Aggregation Database (gnomAD). This alteration is expected to result in loss of function due to an abnormal transcript, a translational frameshift leading to premature truncation, or nonsense-mediated mRNA decay. As such, this alteration is interpreted as a disease-causing mutation.

Women's Health and Genetics/Laboratory Corporation of America, LabCorp
Classification: Likely pathogenic for Hereditary breast and ovarian cancer syndrome. Last evaluated: 2019-10-16. Review status: criteria provided, single submitter. Criteria: LabCorp Variant Classification Summary - May 2015. Collection method: clinical testing. Allele origin: germline.
Comment: Variant summary: BRCA2 c.2886_3144del259 (p.His962GlnfsX6) results in a premature termination codon, predicted to cause a truncation of the encoded protein or absence of the protein due to nonsense mediated decay, which are commonly known mechanisms for disease. Truncations downstream of this position have been classified as pathogenic by our laboratory (eg. c.2899_2900delCT (p.Leu967ArgfsX14), c.2989_2990delTT (p.Leu997fsX11)). The variant was absent in approximately 20,000 control chromosomes (gnomAD, Structural Variants Dataset). To our knowledge, no occurrence of c.2886_3144del259 in individuals affected with Hereditary Breast and Ovarian Cancer and no experimental evidence demonstrating its impact on protein function have been reported. No clinical diagnostic laboratories have submitted clinical-significance assessments for this variant to ClinVar after 2014. Based on the evidence outlined above, the variant was classified as likely pathogenic.

Labcorp Genetics (formerly Invitae), Labcorp
Classification: Pathogenic for Hereditary breast ovarian cancer syndrome. Last evaluated: 2019-07-02. Review status: criteria provided, single submitter. Criteria: Invitae Variant Classification Sherloc (09022015). Collection method: clinical testing. Allele origin: germline.
Comment: For these reasons, this variant has been classified as Pathogenic. Loss-of-function variants in BRCA2 are known to be pathogenic (PMID: 20104584). This variant has not been reported in the literature in individuals with BRCA2-related conditions. This variant is not present in population databases (ExAC no frequency). This sequence change creates a premature translational stop signal (p.His962Glnfs*6) in the BRCA2 gene. It is expected to result in an absent or disrupted protein product.

Literature cited by the submitters: PubMed 20104584 (cited by Labcorp Genetics (formerly Invitae), Labcorp).

NM_000059.4(BRCA2):c.2886_3144del (p.His962fs)

Gene: BRCA2 (BRCA2 DNA repair associated; plus strand). Cytogenetic location: 13q13.1.
Variant type: Deletion.
Coding change: c.2886_3144del on transcript NM_000059.4 (MANE Select); coding-DNA positions 2886 to 3144, 259 bases deleted.
Protein change: p.His962fs; shifts the reading frame from histidine 962.
Molecular consequence: frameshift variant.
Genome position (GRCh38, 1-based): chr13:32,337,241-32,337,499, 259 bases deleted. GRCh37 (hg19): chr13:32,911,378-32,911,636.
Other names: c.2886_3144del259 (NM_000059.3); short protein forms H962fs.
Identifiers: ClinVar variation 929058 (VCV000929058.10), dbSNP rs2072467220, ClinGen allele CA1139663129.